The following is an entry in ClinVar:

NM_000038.6(APC):c.6068G>T (p.Arg2023Ile)

Gene: APC (APC regulator of Wnt signaling pathway; plus strand). Cytogenetic location: 5q22.2.
Variant type: single nucleotide variant.
Coding change: c.6068G>T on transcript NM_000038.6 (MANE Select); coding-DNA position 6068, G replaced by T.
Protein change: p.Arg2023Ile; replaces arginine 2023 with isoleucine.
Molecular consequence: missense variant. On other transcripts: non-coding transcript variant (2).
Genome position (GRCh38, 1-based): chr5:112,841,662, G>T. VCF-style: chr5-112841662-G-T. GRCh37 (hg19) VCF-style: chr5-112177359-G-T.
Other names: c.6068G>T, p.Arg2023Ile (NM_001127510.3, NM_001354895.2, NM_001407450.1); c.6014G>T, p.Arg2005Ile (NM_001127511.3); c.6122G>T, p.Arg2041Ile (NM_001354896.2, NM_001407447.1, NM_001407448.1 and 1 more transcripts); c.6098G>T, p.Arg2033Ile (NM_001354897.2); c.5993G>T, p.Arg1998Ile (NM_001354898.2); c.5984G>T, p.Arg1995Ile (NM_001354899.2); c.5945G>T, p.Arg1982Ile (NM_001354900.2); c.5891G>T, p.Arg1964Ile (NM_001354901.2, NM_001407453.1); and 11 more; short protein forms R1894I, R2033I, R1897I, R1940I, R1964I, R2016I, R2023I, R1639I.
Identifiers: ClinVar variation 2992836 (VCV002992836.3), dbSNP rs2149956196, ClinGen allele CA16034612.

ClinVar aggregate classification (germline): Uncertain significance (1 of 4 stars; one submission).

Conditions:
Familial adenomatous polyposis 1 (FAP1). Also called: FAMILIAL ADENOMATOUS POLYPOSIS 1, ATTENUATED; POLYPOSIS, ADENOMATOUS INTESTINAL. Identifiers: MedGen C2713442, MONDO:0021056, OMIM 175100. Disease mechanism: loss of function.

Submission:

Labcorp Genetics (formerly Invitae), Labcorp
Classification: Uncertain significance for Familial adenomatous polyposis 1. Last evaluated: 2022-11-09. Review status: criteria provided, single submitter. Criteria: Invitae Variant Classification Sherloc (09022015). Collection method: clinical testing. Allele origin: germline.
Comment: Advanced modeling of protein sequence and biophysical properties (such as structural, functional, and spatial information, amino acid conservation, physicochemical variation, residue mobility, and thermodynamic stability) performed at Invitae indicates that this missense variant is not expected to disrupt APC protein function. This variant has not been reported in the literature in individuals affected with APC-related conditions. This variant is not present in population databases (gnomAD no frequency). This sequence change replaces arginine, which is basic and polar, with isoleucine, which is neutral and non-polar, at codon 2023 of the APC protein (p.Arg2023Ile). In summary, the available evidence is currently insufficient to determine the role of this variant in disease. Therefore, it has been classified as a Variant of Uncertain Significance.